The following is an entry in ClinVar:

ClinVar aggregate classification (germline): Benign/Likely benign. Review status: criteria provided, multiple submitters, no conflicts (2 of 4 stars). 2 submissions from 2 submitters: Benign (1); Likely benign (1). Last evaluated 2025-08-17.

Conditions:
Fanconi anemia complementation group O. Also called: RAD51C-Related Fanconi Anemia. Identifiers: Orphanet 84, MedGen C3150653, MONDO:0013248, OMIM 613390.
Breast-ovarian cancer, familial, susceptibility to, 3. Also called: RAD51C-Related Breast/Ovarian Cancer. Identifiers: Orphanet 145, MedGen C3150659, MONDO:0013253, OMIM 613399.

Submissions (2):

Labcorp Genetics (formerly Invitae), Labcorp
Classification: Likely benign for Fanconi anemia complementation group O. Last evaluated: 2025-08-17. Review status: criteria provided, single submitter. Criteria: Invitae Variant Classification Sherloc (09022015). Collection method: clinical testing. Allele origin: germline.

Myriad Genetics, Inc.
Classification: Benign for Breast-ovarian cancer, familial, susceptibility to, 3. Last evaluated: 2025-02-14. Review status: criteria provided, single submitter. Criteria: Myriad Autosomal Dominant, Autosomal Recessive and X-Linked Classification Criteria (2023). Collection method: clinical testing. Allele origin: unknown.
Comment: This variant is considered benign. This variant is a silent/synonymous amino acid change and it is not expected to impact splicing.

NM_058216.3(RAD51C):c.246C>T (p.His82=)

Gene: RAD51C (RAD51 paralog C; plus strand). Cytogenetic location: 17q22.
Variant type: single nucleotide variant.
Coding change: c.246C>T on transcript NM_058216.3 (MANE Select); coding-DNA position 246, C replaced by T.
Protein change: p.His82=; no amino-acid change (histidine 82 retained).
Molecular consequence: synonymous variant. On other transcripts: non-coding transcript variant (2).
Genome position (GRCh38, 1-based): chr17:58,695,031, C>T. VCF-style: chr17-58695031-C-T. GRCh37 (hg19) VCF-style: chr17-56772392-C-T.
Other names: c.246C>T, p.His82= (NM_002876.4).
Identifiers: ClinVar variation 1081418 (VCV001081418.10), dbSNP rs1555593602, ClinGen allele CA501074609.